The following is an entry in ClinVar:

NM_001042492.3(NF1):c.374G>T (p.Arg125Leu)

Gene: NF1 (neurofibromin 1; plus strand). Cytogenetic location: 17q11.2.
Variant type: single nucleotide variant.
Coding change: c.374G>T on transcript NM_001042492.3 (MANE Select); coding-DNA position 374, G replaced by T.
Protein change: p.Arg125Leu; replaces arginine 125 with leucine.
Molecular consequence: missense variant.
Genome position (GRCh38, 1-based): chr17:31,163,271, G>T. VCF-style: chr17-31163271-G-T. GRCh37 (hg19) VCF-style: chr17-29490289-G-T.
Other names: c.374G>T, p.Arg125Leu (NM_000267.4, NM_001128147.3); short protein forms R125L.
Identifiers: ClinVar variation 824158 (VCV000824158.12), dbSNP rs149003051, ClinGen allele CA398981815.

ClinVar aggregate classification (germline): Uncertain significance. Review status: criteria provided, multiple submitters, no conflicts (2 of 4 stars). 3 submissions from 3 submitters: Uncertain significance (3). Last evaluated 2026-01-09.

Conditions:
Hereditary cancer-predisposing syndrome. Also called: Neoplastic Syndromes, Hereditary; Hereditary Cancer Syndrome; Hereditary neoplastic syndrome; Tumor predisposition. Identifiers: Orphanet 140162, MedGen C0027672, MeSH D009386, MONDO:0015356.
Cardiovascular phenotype. Identifiers: MedGen CN230736.
Neurofibromatosis, type 1 (NF1). Also called: Neurofibromatosis, type I; Peripheral type neurofibromatosis; VON RECKLINGHAUSEN DISEASE; NEUROFIBROMATOSIS, TYPE I, SOMATIC. Identifiers: Orphanet 636, MedGen C0027831, MONDO:0018975, OMIM 162200. Disease mechanism: loss of function.

gnomAD v4.1: 1 of 1,614,130 alleles (0.000062%); highest among the groups gnomAD compares: Non-Finnish European, 0.000085%; no homozygotes.

Submissions (3):

Labcorp Genetics (formerly Invitae), Labcorp
Classification: Uncertain significance for Neurofibromatosis, type 1. Last evaluated: 2026-01-09. Review status: criteria provided, single submitter. Criteria: Invitae Variant Classification Sherloc (09022015). Collection method: clinical testing. Allele origin: germline.
Comment: This sequence change replaces arginine, which is basic and polar, with leucine, which is neutral and non-polar, at codon 125 of the NF1 protein (p.Arg125Leu). This variant is not present in population databases (gnomAD no frequency). This variant has not been reported in the literature in individuals affected with NF1-related conditions. ClinVar contains an entry for this variant (Variation ID: 824158). Invitae Evidence Modeling of protein sequence and biophysical properties (such as structural, functional, and spatial information, amino acid conservation, physicochemical variation, residue mobility, and thermodynamic stability) indicates that this missense variant is expected to disrupt NF1 protein function with a positive predictive value of 95%. In summary, the available evidence is currently insufficient to determine the role of this variant in disease. Therefore, it has been classified as a Variant of Uncertain Significance.

Genome-Nilou Lab
Classification: Uncertain significance for Neurofibromatosis, type 1. Last evaluated: 2022-03-15. Review status: criteria provided, single submitter. Criteria: ACMG Guidelines, 2015. Collection method: clinical testing. Allele origin: germline. Affected: no.

Ambry Genetics
Classification: Uncertain significance for Cardiovascular phenotype; Hereditary cancer-predisposing syndrome. Last evaluated: 2018-05-21. Review status: criteria provided, single submitter. Criteria: Ambry Variant Classification Scheme 2023. Collection method: clinical testing. Allele origin: germline.
Comment: The p.R125L variant (also known as c.374G>T), located in coding exon 4 of the NF1 gene, results from a G to T substitution at nucleotide position 374. The arginine at codon 125 is replaced by leucine, an amino acid with dissimilar properties. This amino acid position is highly conserved in available vertebrate species. In addition, this alteration is predicted to be deleterious by in silico analysis. Since supporting evidence is limited at this time, the clinical significance of this alteration remains unclear.